The following is an entry in ClinVar:

ClinVar aggregate classification (germline): Pathogenic (1 of 4 stars; one submission).

Conditions:
Arrhythmogenic right ventricular dysplasia 8 (ARVD8). Also called: Arrhythmogenic Right Ventricular Dysplasia/Cardiomyopathy 8; ARRHYTHMOGENIC RIGHT VENTRICULAR DYSPLASIA, FAMILIAL, 8; ARRHYTHMOGENIC RIGHT VENTRICULAR CARDIOMYOPATHY 8. Identifiers: MedGen C1843896, MONDO:0011831, OMIM 607450.
Arrhythmogenic cardiomyopathy with wooly hair and keratoderma. Also called: PALMOPLANTAR KERATODERMA WITH LEFT VENTRICULAR CARDIOMYOPATHY AND WOOLLY HAIR; Arrhythmogenic cardiomyopathy with woolly hair and keratoderma; Carvajal syndrome; Dilated cardiomyopathy with woolly hair and keratoderma. Identifiers: Orphanet 65282, MedGen C1854063, MONDO:0011581, OMIM 605676.

Submission:

Labcorp Genetics (formerly Invitae), Labcorp
Classification: Pathogenic for Arrhythmogenic cardiomyopathy with wooly hair and keratoderma; Arrhythmogenic right ventricular dysplasia 8. Last evaluated: 2025-02-12. Review status: criteria provided, single submitter. Criteria: Invitae Variant Classification Sherloc (09022015). Collection method: clinical testing. Allele origin: germline.
Comment: This sequence change creates a premature translational stop signal (p.Glu1785Profs*9) in the DSP gene. While this is not anticipated to result in nonsense mediated decay, it is expected to disrupt the last 1087 amino acid(s) of the DSP protein. This variant is not present in population databases (gnomAD no frequency). This variant has not been reported in the literature in individuals affected with DSP-related conditions. This variant disrupts a region of the DSP protein in which other variant(s) (p.Gln2730Serfs*16) have been determined to be pathogenic (PMID: 27532257, 28527814; internal data). This suggests that this is a clinically significant region of the protein, and that variants that disrupt it are likely to be disease-causing. For these reasons, this variant has been classified as Pathogenic.

Literature cited by the submitters: PubMed 27532257; PubMed 28527814.

NM_004415.4(DSP):c.5353_5360del (p.Glu1785fs)

Gene: DSP (desmoplakin; plus strand). Cytogenetic location: 6p24.3.
Variant type: Deletion.
Coding change: c.5353_5360del on transcript NM_004415.4 (MANE Select); coding-DNA positions 5353 to 5360, 8 bases deleted (GAGAAATT; older notation c.5353_5360delGAGAAATT).
Protein change: p.Glu1785fs; shifts the reading frame from glutamic acid 1785.
Molecular consequence: frameshift variant. On other transcripts: intron variant (2).
Genome position (GRCh38, 1-based): chr6:7,581,543-7,581,550, GAGAAATT deleted; deleting any 8 consecutive bases within chr6:7,581,537-7,581,550 gives the same sequence; the c. name uses the placement nearest the transcript's 3' end. VCF-style (leftmost placement, unchanged base first): chr6-7581536-GGAAATTGA-G. GRCh37 (hg19) VCF-style: chr6-7581769-GGAAATTGA-G.
Other names: c.4051-1099_4051-1092del (NM_001319034.2); c.3583-1099_3583-1092del (NM_001008844.3); short protein forms E1785fs.
Identifiers: ClinVar variation 4784139 (VCV004784139.1).